The following is an entry in ClinVar:

NM_001135649.3(FOXI3):c.517C>G (p.Gln173Glu)

Gene: FOXI3 (forkhead box I3; minus strand). Cytogenetic location: 2p11.2.
Variant type: single nucleotide variant.
Coding change: c.517C>G on transcript NM_001135649.3 (MANE Select); coding-DNA position 517, C replaced by G.
Protein change: p.Gln173Glu; replaces glutamine 173 with glutamic acid.
Molecular consequence: missense variant.
Genome position (GRCh38, 1-based): chr2:88,452,019, G>C on the plus strand (C>G on the coding strand, the complement: FOXI3 is on the minus strand). VCF-style: chr2-88452019-G-C. GRCh37 (hg19) VCF-style: chr2-88751538-G-C.
Other names: short protein forms Q173E.
Identifiers: ClinVar variation 4705578 (VCV004705578.1).
Genomic context (GRCh38, chr2:88,452,019, plus strand): 5'-TGGAGTTCTGCCAGCCGGCCTTGCTGCGCTGGTAGAAGGGGAAGCTATCGGCGACGAACT[G>C]GTAGATGTGGCTGAGAGTGAGTTTGCGCTCGGGCGCGCTCTGAATGGCCATGGCGATGAG-3'
Protein context (NP_001129121.1, residues 163-183): ERKLTLSHIY[Gln173Glu]FVADSFPFYQ

ClinVar aggregate classification (germline): Uncertain significance (1 of 4 stars; one submission).

Submission:

Labcorp Genetics (formerly Invitae), Labcorp
Classification: Uncertain significance. Last evaluated: 2025-05-19. Review status: criteria provided, single submitter. Criteria: Invitae Variant Classification Sherloc (09022015). Collection method: clinical testing. Allele origin: germline.
Comment: This sequence change replaces glutamine, which is neutral and polar, with glutamic acid, which is acidic and polar, at codon 173 of the FOXI3 protein (p.Gln173Glu). This variant is present in population databases (no rsID available, gnomAD 0.003%). This variant has not been reported in the literature in individuals affected with FOXI3-related conditions. Experimental studies and prediction algorithms are not available or were not evaluated, and the functional significance of this variant is currently unknown. In summary, the available evidence is currently insufficient to determine the role of this variant in disease. Therefore, it has been classified as a Variant of Uncertain Significance.